The following is an entry in ClinVar:

ClinVar aggregate classification (germline): Pathogenic. Review status: criteria provided, multiple submitters, no conflicts (2 of 4 stars). 2 submissions from 2 submitters: Pathogenic (2). Last evaluated 2026-07-16.

Conditions:
COL7A1-related disorder. Also called: COL7A1- related disorders; COL7A1-related condition.
Recessive dystrophic epidermolysis bullosa (RDEB). Also called: Hallopeau-Siemens Disease; Epidermolysis Bullosa Distrophica Autosomal Recessive (RDEB); epidermolysis bullosa dystrophica, autosomal recessive; DYSTROPHIC EPIDERMOLYSIS BULLOSA, AUTOSOMAL RECESSIVE; EPIDERMOLYSIS BULLOSA DYSTROPHICA, HALLOPEAU-SIEMENS TYPE; Recessive DEB (RDEB). Identifiers: Orphanet 79408, Orphanet 79409, MedGen C0079474, MONDO:0009179, OMIM 226600.

Allele frequency attached by ClinVar (database versions not stated): gnomAD exomes below 0.00001; gnomAD 0.00001; TOPMed 0.00002.

Submissions (2):

Myriad Genetics, Inc.
Classification: Pathogenic for Recessive dystrophic epidermolysis bullosa. Last evaluated: 2026-07-16. Review status: criteria provided, single submitter. Criteria: Myriad Autosomal Dominant, Autosomal Recessive and X-Linked Classification Criteria (2023). Collection method: clinical testing. Allele origin: unknown.
Comment: NM_000094.3(COL7A1):c.4182_4188dup7(A1397Wfs*7) is a frameshift variant classified as pathogenic in the context of dystrophic epidermolysis bullosa. A1397Wfs*7 has been observed in a case with relevant disease (PMID: 24213372). Relevant functional assessments of this variant are not available in the literature. A1397Wfs*7 has been observed in referenced population frequency databases. In summary, NM_000094.3(COL7A1):c.4182_4188dup7(A1397Wfs*7) is a frameshift variant that has been observed more frequently in cases with the relevant disease than in healthy populations. Please note: this variant was assessed in the context of healthy population screening.

PreventionGenetics, part of Exact Sciences
Classification: Pathogenic for COL7A1-related condition. Last evaluated: 2023-07-20. Review status: criteria provided, single submitter. Criteria: ACMG Guidelines, 2015. Collection method: clinical testing. Allele origin: germline.
Comment: The COL7A1 c.4182_4188dup7 variant is predicted to result in a frameshift and premature protein termination (p.Ala1397Trpfs*7). This variant has been reported, along with another frameshift variant in the COL7A1 gene, in an individual with autosomal recessive epidermolysis bullosa dystrophica (Table 1, Woodley et al. 2014. PubMed ID: 24213372). This variant is reported in 0.0067% of alleles in individuals of African descent in gnomAD. Frameshift variants in COL7A1 are expected to be pathogenic. This variant is interpreted as pathogenic.

Literature cited by the submitters: PubMed 24213372 (cited by Myriad Genetics, Inc.).

NM_000094.4(COL7A1):c.4182_4188dup (p.Ala1397fs)

Gene: COL7A1 (collagen type VII alpha 1 chain; minus strand). Cytogenetic location: 3p21.31.
Variant type: Duplication.
Coding change: c.4182_4188dup on transcript NM_000094.4 (MANE Select); coding-DNA positions 4182 to 4188, 7 bases duplicated (TGGAACA; older notation c.4182_4188dupTGGAACA).
Protein change: p.Ala1397fs; shifts the reading frame from alanine 1397.
Molecular consequence: frameshift variant.
Genome position (GRCh38, 1-based): chr3:48,584,307-48,584,313, TGTTCCA duplicated on the plus strand (TGGAACA on the coding strand, the reverse complement: COL7A1 is on the minus strand). VCF-style (leftmost placement, unchanged base first): chr3-48584306-C-CTGTTCCA. GRCh37 (hg19) VCF-style: chr3-48621739-C-CTGTTCCA.
Other names: c.4182_4188dup7 (NM_000094.3); short protein forms A1397fs.
Identifiers: ClinVar variation 2631561 (VCV002631561.2), dbSNP rs745318365, ClinGen allele CA2380179.